The following is an entry in ClinVar:

NM_024809.5(TCTN2):c.1967G>C (p.Trp656Ser)

Gene: TCTN2 (tectonic family member 2; plus strand). Cytogenetic location: 12q24.31.
Variant type: single nucleotide variant.
Coding change: c.1967G>C on transcript NM_024809.5 (MANE Select); coding-DNA position 1967, G replaced by C.
Protein change: p.Trp656Ser; replaces tryptophan 656 with serine.
Molecular consequence: missense variant.
Genome position (GRCh38, 1-based): chr12:123,707,056, G>C. VCF-style: chr12-123707056-G-C. GRCh37 (hg19) VCF-style: chr12-124191603-G-C.
Other names: c.1967G>C (NM_024809.3); c.1964G>C, p.Trp655Ser (NM_001143850.3); short protein forms W655S, W656S.
Identifiers: ClinVar variation 1314300 (VCV001314300.11), dbSNP rs200159224, ClinGen allele CA6861388.

ClinVar aggregate classification (germline): Uncertain significance. Review status: criteria provided, multiple submitters, no conflicts (2 of 4 stars). 5 submissions from 5 submitters: Uncertain significance (5). Last evaluated 2023-08-15.

Conditions:
Joubert syndrome. Also called: JOUBERT-BOLTSHAUSER SYNDROME; Familial aplasia of the vermis. Identifiers: Orphanet 475, MedGen C5979921, MONDO:0018772.
Meckel-Gruber syndrome. Also called: Dysencephalia splachnocystica; GRUBER SYNDROME; DYSENCEPHALIA SPLANCHNOCYSTICA. Identifiers: Orphanet 564, MedGen C0265215, MONDO:0018921.
Inborn genetic diseases. Identifiers: MedGen C0950123, MeSH D030342.
Meckel syndrome, type 8. Identifiers: Orphanet 564, MedGen C3836857, MONDO:0013482, OMIM 613885.
Joubert syndrome 24 (JBTS24). Identifiers: Orphanet 475, MedGen C4084841, MONDO:0014724, OMIM 616654.

Allele frequency attached by ClinVar (database versions not stated): ExAC 0.00002; gnomAD exomes 0.00002 and 0.00005; 1000 Genomes Project 30x 0.00016; 1000 Genomes Project 0.00020.
gnomAD v4.1: 76 of 1,613,264 alleles (0.0047%); highest among the groups gnomAD compares: Non-Finnish European, 0.0062%; no homozygotes.

Submissions (5):

Clinical Genomics Laboratory, Stanford Medicine
Classification: Uncertain significance for Joubert syndrome 24; Meckel syndrome, type 8. Last evaluated: 2023-08-15. Review status: criteria provided, single submitter. Criteria: ACMG Guidelines, 2015. Collection method: clinical testing. Allele origin: germline. Observed: 1 variant allele, 1 heterozygote.

Ambry Genetics
Classification: Uncertain significance for Inborn genetic diseases. Last evaluated: 2023-07-05. Review status: criteria provided, single submitter. Criteria: Ambry Variant Classification Scheme 2023. Collection method: clinical testing. Allele origin: germline.

Labcorp Genetics (formerly Invitae), Labcorp
Classification: Uncertain significance for Joubert syndrome; Meckel-Gruber syndrome. Last evaluated: 2023-06-15. Review status: criteria provided, single submitter. Criteria: Invitae Variant Classification Sherloc (09022015). Collection method: clinical testing. Allele origin: germline.
Comment: This variant is present in population databases (rs200159224, gnomAD 0.007%). In summary, the available evidence is currently insufficient to determine the role of this variant in disease. Therefore, it has been classified as a Variant of Uncertain Significance. Advanced modeling of protein sequence and biophysical properties (such as structural, functional, and spatial information, amino acid conservation, physicochemical variation, residue mobility, and thermodynamic stability) has been performed at Invitae for this missense variant, however the output from this modeling did not meet the statistical confidence thresholds required to predict the impact of this variant on TCTN2 protein function. ClinVar contains an entry for this variant (Variation ID: 1314300). This variant has not been reported in the literature in individuals affected with TCTN2-related conditions. This sequence change replaces tryptophan, which is neutral and slightly polar, with serine, which is neutral and polar, at codon 656 of the TCTN2 protein (p.Trp656Ser).

Blueprint Genetics
Classification: Uncertain significance. Last evaluated: 2022-11-17. Review status: criteria provided, single submitter. Criteria: ACMG Guidelines, 2015. Collection method: clinical testing. Allele origin: germline.

GeneDx
Classification: Uncertain significance. Last evaluated: 2022-05-24. Review status: criteria provided, single submitter. Criteria: GeneDx Variant Classification Process June 2021. Collection method: clinical testing. Allele origin: germline. Affected: yes.
Comment: Not observed at a significant frequency in large population cohorts (gnomAD); In silico analysis supports that this missense variant does not alter protein structure/function; Has not been previously published as pathogenic or benign to our knowledge